The following is an entry in ClinVar:

ClinVar aggregate classification (germline): Uncertain significance (1 of 4 stars; one submission).

gnomAD v4.1: 6 of 1,613,822 alleles (0.00037%); highest among the groups gnomAD compares: African/African-American, 0.004%; no homozygotes.

Submission:

Labcorp Genetics (formerly Invitae), Labcorp
Classification: Uncertain significance. Last evaluated: 2025-04-22. Review status: criteria provided, single submitter. Criteria: Invitae Variant Classification Sherloc (09022015). Collection method: clinical testing. Allele origin: germline.
Comment: This sequence change replaces arginine, which is basic and polar, with glycine, which is neutral and non-polar, at codon 152 of the AUTS2 protein (p.Arg152Gly). This variant is present in population databases (rs779089442, gnomAD 0.007%). This variant has not been reported in the literature in individuals affected with AUTS2-related conditions. ClinVar contains an entry for this variant (Variation ID: 3703757). An algorithm developed to predict the effect of missense changes on protein structure and function (PolyPhen-2) suggests that this variant is likely to be disruptive. In summary, the available evidence is currently insufficient to determine the role of this variant in disease. Therefore, it has been classified as a Variant of Uncertain Significance.

NM_015570.4(AUTS2):c.454C>G (p.Arg152Gly)

Gene: AUTS2 (activator of transcription and developmental regulator AUTS2; plus strand). Cytogenetic location: 7q11.22.
Variant type: single nucleotide variant.
Coding change: c.454C>G on transcript NM_015570.4 (MANE Select); coding-DNA position 454, C replaced by G.
Protein change: p.Arg152Gly; replaces arginine 152 with glycine.
Molecular consequence: missense variant.
Genome position (GRCh38, 1-based): chr7:69,899,430, C>G. VCF-style: chr7-69899430-C-G. GRCh37 (hg19) VCF-style: chr7-69364416-C-G.
Other names: c.454C>G, p.Arg152Gly (NM_001127231.3, NM_001127232.3); short protein forms R152G.
Identifiers: ClinVar variation 3703757 (VCV003703757.2).
Genomic context (GRCh38, chr7:69,899,430, plus strand): 5'-GGCTTGTCCTTTCATTCAAAGAAGAGCAGACTCAGCCACCCACACCACTACAGCTCAGAT[C>G]GAGAAAATGACCGCAATCTCTGCCAGCACCTTGGGAAGAGAAAGAAAATGCCGAAGGCAC-3'
Protein context (NP_056385.1, residues 142-162): LSHPHHYSSD[Arg152Gly]ENDRNLCQHL